The following is an entry in ClinVar:

ClinVar aggregate classification (germline): Uncertain significance. Review status: criteria provided, multiple submitters, no conflicts (2 of 4 stars). 2 submissions from 2 submitters: Uncertain significance (2). Last evaluated 2024-02-05.

Conditions:
Inborn genetic diseases. Identifiers: MedGen C0950123, MeSH D030342.

Allele frequency attached by ClinVar (database versions not stated): TOPMed below 0.00001; gnomAD exomes 0.00001; ExAC 0.00002.
gnomAD v4.1: 8 of 1,613,742 alleles (0.0005%); highest among the groups gnomAD compares: South Asian, 0.0077%; no homozygotes.

Submissions (2):

Ambry Genetics
Classification: Uncertain significance for Inborn genetic diseases. Last evaluated: 2024-02-05. Review status: criteria provided, single submitter. Criteria: Ambry Variant Classification Scheme 2023. Collection method: clinical testing. Allele origin: germline.

Labcorp Genetics (formerly Invitae), Labcorp
Classification: Uncertain significance. Last evaluated: 2022-06-20. Review status: criteria provided, single submitter. Criteria: Invitae Variant Classification Sherloc (09022015). Collection method: clinical testing. Allele origin: germline.
Comment: In summary, the available evidence is currently insufficient to determine the role of this variant in disease. Therefore, it has been classified as a Variant of Uncertain Significance. Algorithms developed to predict the effect of missense changes on protein structure and function (SIFT, PolyPhen-2, Align-GVGD) all suggest that this variant is likely to be tolerated. This variant has not been reported in the literature in individuals affected with TGFB1-related conditions. This variant is present in population databases (rs770754343, gnomAD 0.007%). This sequence change replaces threonine, which is neutral and polar, with methionine, which is neutral and non-polar, at codon 289 of the TGFB1 protein (p.Thr289Met).

NM_000660.7(TGFB1):c.866C>T (p.Thr289Met)

Gene: TGFB1 (transforming growth factor beta 1; minus strand). Cytogenetic location: 19q13.2.
Variant type: single nucleotide variant.
Coding change: c.866C>T on transcript NM_000660.7 (MANE Select); coding-DNA position 866, C replaced by T.
Protein change: p.Thr289Met; replaces threonine 289 with methionine.
Molecular consequence: missense variant.
Genome position (GRCh38, 1-based): chr19:41,332,276, G>A on the plus strand (C>T on the coding strand, the complement: TGFB1 is on the minus strand). VCF-style: chr19-41332276-G-A. GRCh37 (hg19) VCF-style: chr19-41838181-G-A.
Other names: c.866C>T (NM_000660.4); short protein forms T289M.
Identifiers: ClinVar variation 1932954 (VCV001932954.6), dbSNP rs770754343, ClinGen allele CA9459963.